The following is an entry in ClinVar:

ClinVar aggregate classification (germline): Conflicting classifications of pathogenicity. Review status: criteria provided, conflicting classifications (1 of 4 stars). 5 submissions from 5 submitters: Uncertain significance (3); Benign (1); Likely benign (1). Last evaluated 2026-06-02.

Conditions:
COL9A1-related disorder. Also called: COL9A1-related disorders; COL9A1-related condition.

Allele frequency attached by ClinVar (database versions not stated): gnomAD exomes 0.00009; 1000 Genomes Project 30x 0.00016; 1000 Genomes Project 0.00040; TOPMed 0.00045; ESP Exome Variant Server 0.00054.
gnomAD v4.1: 108 of 1,611,864 alleles (0.0067%); highest among the groups gnomAD compares: African/African-American, 0.12%; no homozygotes.

Submissions (5):

PreventionGenetics, part of Exact Sciences
Classification: Uncertain significance for COL9A1-related condition. Last evaluated: 2026-06-02. Review status: criteria provided, single submitter. Criteria: ACMG Guidelines, 2015. Collection method: clinical testing. Allele origin: germline.
Comment: The COL9A1 c.38T>C variant is predicted to result in the amino acid substitution p.Val13Ala. To our knowledge, this variant has not been reported in the literature. This variant is reported in 0.11% of alleles in individuals of African descent in gnomAD. Although we suspect that this variant may be benign, at this time, the clinical significance of this variant is uncertain due to the absence of conclusive functional and genetic evidence.

Women's Health and Genetics/Laboratory Corporation of America, LabCorp
Classification: Uncertain significance. Last evaluated: 2026-01-26. Review status: criteria provided, single submitter. Criteria: LabCorp Variant Classification Summary - May 2015. Collection method: clinical testing. Allele origin: germline.
Comment: Variant summary: COL9A1 c.38T>C (p.Val13Ala) results in a non-conservative amino acid change in the encoded protein sequence. Algorithms developed to predict the effect of missense changes on protein structure and function are either unavailable or do not agree on the potential impact of this missense change. The variant allele was found at a frequency of 8.5e-05 in 247068 control chromosomes. This frequency is not significantly higher than estimated for disease-causing variants in COL9A1, allowing no conclusion about variant significance. To our knowledge, no occurrence of c.38T>C in individuals affected with COL9A1-related conditions and no experimental evidence demonstrating its impact on protein function have been reported. ClinVar contains an entry for this variant (Variation ID: 970937). Based on the evidence outlined above, the variant was classified as uncertain significance.

Labcorp Genetics (formerly Invitae), Labcorp
Classification: Likely benign. Last evaluated: 2025-12-01. Review status: criteria provided, single submitter. Criteria: Invitae Variant Classification Sherloc (09022015). Collection method: clinical testing. Allele origin: germline.

Blueprint Genetics
Classification: Benign. Last evaluated: 2024-03-27. Review status: criteria provided, single submitter. Criteria: ACMG Guidelines, 2015. Collection method: clinical testing. Allele origin: germline.

GeneDx
Classification: Uncertain significance. Last evaluated: 2020-10-05. Review status: criteria provided, single submitter. Criteria: GeneDx Variant Classification Process June 2021. Collection method: clinical testing. Allele origin: germline. Affected: yes.
Comment: Has not been previously published as pathogenic or benign to our knowledge; Reported in ClinVar but additional evidence is not available (ClinVar Variant ID #970937; Landrum et al., 2016); In silico analysis, which includes protein predictors and evolutionary conservation, supports that this variant does not alter protein structure/function

NM_001851.6(COL9A1):c.38T>C (p.Val13Ala)

Gene: COL9A1 (collagen type IX alpha 1 chain; minus strand). Cytogenetic location: 6q13.
Variant type: single nucleotide variant.
Coding change: c.38T>C on transcript NM_001851.6 (MANE Select); coding-DNA position 38, T replaced by C.
Protein change: p.Val13Ala; replaces valine 13 with alanine.
Molecular consequence: missense variant.
Genome position (GRCh38, 1-based): chr6:70,302,051, A>G on the plus strand (T>C on the coding strand, the complement: COL9A1 is on the minus strand). VCF-style: chr6-70302051-A-G. GRCh37 (hg19) VCF-style: chr6-71011754-A-G.
Other names: c.38T>C, p.Val13Ala (NM_001377291.1); short protein forms V13A.
Identifiers: ClinVar variation 970937 (VCV000970937.15), dbSNP rs140274454, ClinGen allele CA3882957.